The following is an entry in ClinVar:

NM_018089.3(ANKZF1):c.1465C>T (p.Pro489Ser)

Gene: ANKZF1 (ankyrin repeat and zinc finger peptidyl tRNA hydrolase 1; plus strand). Cytogenetic location: 2q35.
Variant type: single nucleotide variant.
Coding change: c.1465C>T on transcript NM_018089.3 (MANE Select); coding-DNA position 1465, C replaced by T.
Protein change: p.Pro489Ser; replaces proline 489 with serine.
Molecular consequence: missense variant.
Genome position (GRCh38, 1-based): chr2:219,235,086, C>T. VCF-style: chr2-219235086-C-T. GRCh37 (hg19) VCF-style: chr2-220099808-C-T.
Other names: c.1465C>T, p.Pro489Ser (NM_001042410.2); c.835C>T, p.Pro279Ser (NM_001282792.2); c.1465C>T (NM_018089.2); short protein forms P279S, P489S.
Identifiers: ClinVar variation 1081855 (VCV001081855.10), dbSNP rs145554881, ClinGen allele CA2121067.

ClinVar aggregate classification (germline): Likely benign. Review status: criteria provided, multiple submitters, no conflicts (2 of 4 stars). 2 submissions from 2 submitters: Likely benign (2). Last evaluated 2025-10-27.

Conditions:
ANKZF1-related disorder. Also called: ANKZF1-related condition.

Allele frequency attached by ClinVar (database versions not stated): gnomAD exomes 0.00008 and 0.00023; ExAC 0.00033; ESP Exome Variant Server 0.00081; gnomAD 0.00102 and 0.00106; TOPMed 0.00102; 1000 Genomes Project 30x 0.00203; 1000 Genomes Project 0.00220.

Submissions (2):

Labcorp Genetics (formerly Invitae), Labcorp
Classification: Likely benign. Last evaluated: 2025-10-27. Review status: criteria provided, single submitter. Criteria: Invitae Variant Classification Sherloc (09022015). Collection method: clinical testing. Allele origin: germline.

PreventionGenetics, part of Exact Sciences
Classification: Likely benign for ANKZF1-related condition. Last evaluated: 2025-05-28. Review status: criteria provided, single submitter. Criteria: ACMG Guidelines, 2015. Collection method: clinical testing. Allele origin: germline.
Comment: This variant is classified as likely benign based on ACMG/AMP sequence variant interpretation guidelines (Richards et al. 2015 PMID: 25741868, with internal and published modifications).